The following is an entry in ClinVar:

ClinVar aggregate classification (germline): Uncertain significance (1 of 4 stars; one submission).

Conditions:
Hypogonadotropic hypogonadism 2 with or without anosmia (HH2). Also called: HYPOGONADOTROPIC HYPOGONADISM 2 WITHOUT ANOSMIA; HYPOGONADOTROPIC HYPOGONADISM 2 WITH OR WITHOUT ANOSMIA, SUSCEPTIBILITY TO; HYPOGONADOTROPIC HYPOGONADISM 2 WITHOUT ANOSMIA, SUSCEPTIBILITY TO; FGFR1-Related GnRH Deficiency (Kallmann Syndrome 2). Identifiers: Orphanet 478, MedGen C1563720, MONDO:0007844, OMIM 147950. Disease mechanism: loss of function.
Pfeiffer syndrome (ACS5). Also called: ACS V. Identifiers: Orphanet 710, MedGen C0220658, MONDO:0007043, OMIM 101600.

Allele frequency attached by ClinVar (database versions not stated): TOPMed below 0.00001.

Submission:

Labcorp Genetics (formerly Invitae), Labcorp
Classification: Uncertain significance for Pfeiffer syndrome; Hypogonadotropic hypogonadism 2 with or without anosmia. Last evaluated: 2021-12-02. Review status: criteria provided, single submitter. Criteria: Invitae Variant Classification Sherloc (09022015). Collection method: clinical testing. Allele origin: germline.
Comment: This sequence change replaces threonine, which is neutral and polar, with asparagine, which is neutral and polar, at codon 26 of the FGFR1 protein (p.Thr26Asn). This variant is not present in population databases (gnomAD no frequency). This variant has not been reported in the literature in individuals affected with FGFR1-related conditions. Algorithms developed to predict the effect of missense changes on protein structure and function are either unavailable or do not agree on the potential impact of this missense change (SIFT: "Deleterious"; PolyPhen-2: "Benign"; Align-GVGD: "Class C0"). In summary, the available evidence is currently insufficient to determine the role of this variant in disease. Therefore, it has been classified as a Variant of Uncertain Significance.

NM_023110.3(FGFR1):c.77C>A (p.Thr26Asn)

Gene: FGFR1 (fibroblast growth factor receptor 1; minus strand). Cytogenetic location: 8p11.23.
Variant type: single nucleotide variant.
Coding change: c.77C>A on transcript NM_023110.3 (MANE Select); coding-DNA position 77, C replaced by A.
Protein change: p.Thr26Asn; replaces threonine 26 with asparagine.
Molecular consequence: missense variant. On other transcripts: 5 prime UTR variant (1).
Genome position (GRCh38, 1-based): chr8:38,457,370, G>T on the plus strand (C>A on the coding strand, the complement: FGFR1 is on the minus strand). VCF-style: chr8-38457370-G-T. GRCh37 (hg19) VCF-style: chr8-38314888-G-T.
Other names: c.77C>A, p.Thr26Asn (NM_001174063.2, NM_001174065.2, NM_001174066.2 and 7 more transcripts); c.-16C>A (NM_001174064.2); c.176C>A, p.Thr59Asn (NM_001174067.2); short protein forms T59N, T26N.
Identifiers: ClinVar variation 1523038 (VCV001523038.6), dbSNP rs1833133571, ClinGen allele CA370767146.